The following is an entry in ClinVar:

NM_006019.4(TCIRG1):c.1138G>C (p.Val380Leu)

Gene: TCIRG1 (T cell immune regulator 1, ATPase H+ transporting V0 subunit a3; plus strand). Cytogenetic location: 11q13.2.
Variant type: single nucleotide variant.
Coding change: c.1138G>C on transcript NM_006019.4 (MANE Select); coding-DNA position 1138, G replaced by C.
Protein change: p.Val380Leu; replaces valine 380 with leucine.
Molecular consequence: missense variant.
Genome position (GRCh38, 1-based): chr11:68,045,075, G>C. VCF-style: chr11-68045075-G-C. GRCh37 (hg19) VCF-style: chr11-67812542-G-C.
Other names: c.244G>C, p.Val82Leu (NM_001351059.2); c.490G>C, p.Val164Leu (NM_006053.4); short protein forms V82L, V164L, V380L.
Identifiers: ClinVar variation 3684166 (VCV003684166.2).
Genomic context (GRCh38, chr11:68,045,075, plus strand): 5'-ACACTCATCCGCACCAACCGCTTCACGGCCAGCTTCCAGGGCATCGTGGATGCCTACGGC[G>C]TGGGCCGCTACCAGGAGGTCAACCCCGGTGAGAGCCACGGCATCCTTACCCGTGTCCTGG-3'
Protein context (NP_006010.2, residues 370-390): SFQGIVDAYG[Val380Leu]GRYQEVNPAP

ClinVar aggregate classification (germline): Uncertain significance (1 of 4 stars; one submission).

Submission:

Labcorp Genetics (formerly Invitae), Labcorp
Classification: Uncertain significance. Last evaluated: 2024-08-31. Review status: criteria provided, single submitter. Criteria: Invitae Variant Classification Sherloc (09022015). Collection method: clinical testing. Allele origin: germline.
Comment: This sequence change replaces valine, which is neutral and non-polar, with leucine, which is neutral and non-polar, at codon 380 of the TCIRG1 protein (p.Val380Leu). This variant is not present in population databases (gnomAD no frequency). This variant has not been reported in the literature in individuals affected with TCIRG1-related conditions. Invitae Evidence Modeling of protein sequence and biophysical properties (such as structural, functional, and spatial information, amino acid conservation, physicochemical variation, residue mobility, and thermodynamic stability) indicates that this missense variant is not expected to disrupt TCIRG1 protein function with a negative predictive value of 80%. In summary, the available evidence is currently insufficient to determine the role of this variant in disease. Therefore, it has been classified as a Variant of Uncertain Significance.